The following is an entry in ClinVar:

ClinVar aggregate classification (germline): Benign/Likely benign. Review status: criteria provided, multiple submitters, no conflicts (2 of 4 stars). 6 submissions from 6 submitters: Benign (3); Likely benign (3). Last evaluated 2026-01-26.

Conditions:
Pigmentary pallidal degeneration (NBIA1). Also called: HARP SYNDROME; PKAN NEUROAXONAL DYSTROPHY, JUVENILE-ONSET; Pantothenate Kinase-Associated Neurodegeneration; Neuroaxonal dystrophy, late infantile; Hallervorden-Spatz disease; Neurodegeneration with brain iron accumulation 1. Identifiers: Orphanet 157850, MedGen C0018523, MONDO:0009319, OMIM 234200.

Allele frequency attached by ClinVar (database versions not stated): gnomAD exomes 0.00013 and 0.00045; ExAC 0.00054; 1000 Genomes Project 30x 0.00125; 1000 Genomes Project 0.00160; ESP Exome Variant Server 0.00169; gnomAD 0.00173 and 0.00180; TOPMed 0.00174.
gnomAD v4.1: 474 of 1,614,234 alleles (0.029%); highest among the groups gnomAD compares: African/African-American, 0.55%; 5 homozygotes.

Submissions (6):

Labcorp Genetics (formerly Invitae), Labcorp
Classification: Benign for Pigmentary pallidal degeneration. Last evaluated: 2026-01-26. Review status: criteria provided, single submitter. Criteria: Invitae Variant Classification Sherloc (09022015). Collection method: clinical testing. Allele origin: germline.

Mayo Clinic Laboratories, Mayo Clinic
Classification: Likely benign. Last evaluated: 2025-03-12. Review status: criteria provided, single submitter. Criteria: ACMG Guidelines, 2015. Collection method: clinical testing. Allele origin: germline. Observed: 2 variant alleles.
Comment: BS1, BP4, BP7

Blueprint Genetics
Classification: Likely benign. Last evaluated: 2024-10-22. Review status: criteria provided, single submitter. Criteria: ACMG Guidelines, 2015. Collection method: clinical testing. Allele origin: germline.

CeGaT Center for Human Genetics Tuebingen
Classification: Likely benign. Last evaluated: 2024-02-01. Review status: criteria provided, single submitter. Criteria: CeGaT Center For Human Genetics Tuebingen Variant Classification Criteria Version 2. Collection method: clinical testing. Allele origin: germline. Affected: yes. Observed: 1 variant allele.
Comment: PANK2: BP4, BP7, BS2

Athena Diagnostics
Classification: Benign. Last evaluated: 2017-05-03. Review status: criteria provided, single submitter. Criteria: Athena Diagnostics Criteria. Collection method: clinical testing. Allele origin: germline.

Breakthrough Genomics
Classification: Benign. Review status: criteria provided, single submitter. Criteria: ACMG Guidelines, 2015. Collection method: not provided. Allele origin: germline. Inheritance: Autosomal recessive inheritance. Affected: yes.

Literature cited by the submitters: PubMed 20497339 (cited by Mayo Clinic Laboratories, Mayo Clinic and Athena Diagnostics).

NM_001386393.1(PANK2):c.960T>C (p.Thr320=)

Gene: PANK2 (pantothenate kinase 2; plus strand). Cytogenetic location: 20p13.
Variant type: single nucleotide variant.
Coding change: c.960T>C on transcript NM_001386393.1 (MANE Select); coding-DNA position 960, T replaced by C.
Protein change: p.Thr320=; no amino-acid change (threonine 320 retained).
Molecular consequence: synonymous variant. On other transcripts: 5 prime UTR variant (1), non-coding transcript variant (1).
Genome position (GRCh38, 1-based): chr20:3,912,512, T>C. VCF-style: chr20-3912512-T-C. GRCh37 (hg19) VCF-style: chr20-3893159-T-C.
Other names: p.Thr430=; c.417T>C, p.Thr139= (NM_001324191.2, NM_024960.6, NM_153640.4); c.-19T>C (NM_001324193.2); c.1290T>C, p.Thr430= (NM_153638.4).
Identifiers: ClinVar variation 447912 (VCV000447912.34), dbSNP rs149583615, ClinGen allele CA9750814.
Genomic context (GRCh38, chr20:3,912,512, plus strand): 5'-TCATAGTCTTGGAGGAGGAACTTTTTTTGGTCTCTGCTGTCTTCTTACTGGCTGTACCAC[T>C]TTTGAAGAAGCTCTTGAAATGGCATCTCGTGGAGATAGCACCAAAGTGGATAAACTAGTA-3'
Protein context (NP_001373322.1, residues 310-330): GLCCLLTGCT[Thr320=]FEEALEMASR